The following is an entry in ClinVar:

ClinVar aggregate classification (germline): Uncertain significance (1 of 4 stars; one submission).

Conditions:
Joubert syndrome. Also called: Familial aplasia of the vermis; JOUBERT-BOLTSHAUSER SYNDROME; CEREBELLOPARENCHYMAL DISORDER IV. Identifiers: Orphanet 475, MedGen C5979921, MONDO:0018772.
Orofaciodigital syndrome I (OFD1). Also called: Papillon-Leage and Psaume Syndrome; OFDS I; Oral-Facial-Digital Syndrome Type I. Identifiers: Orphanet 2750, MedGen C1510460, MONDO:0010702, OMIM 311200.

Submission:

Labcorp Genetics (formerly Invitae), Labcorp
Classification: Uncertain significance for Orofaciodigital syndrome I; Joubert syndrome. Last evaluated: 2025-04-16. Review status: criteria provided, single submitter. Criteria: Invitae Variant Classification Sherloc (09022015). Collection method: clinical testing. Allele origin: germline.
Comment: This sequence change replaces isoleucine, which is neutral and non-polar, with valine, which is neutral and non-polar, at codon 515 of the OFD1 protein (p.Ile515Val). This variant is not present in population databases (gnomAD no frequency). This variant has not been reported in the literature in individuals affected with OFD1-related conditions. An algorithm developed to predict the effect of missense changes on protein structure and function outputs the following: PolyPhen-2: "Benign". The valine amino acid residue is found in multiple mammalian species, which suggests that this missense change does not adversely affect protein function. In summary, the available evidence is currently insufficient to determine the role of this variant in disease. Therefore, it has been classified as a Variant of Uncertain Significance.

NM_003611.3(OFD1):c.1543A>G (p.Ile515Val)

Gene: OFD1 (OFD1 centriole and centriolar satellite protein; plus strand). Cytogenetic location: Xp22.2.
Variant type: single nucleotide variant.
Coding change: c.1543A>G on transcript NM_003611.3 (MANE Select); coding-DNA position 1543, A replaced by G.
Protein change: p.Ile515Val; replaces isoleucine 515 with valine.
Molecular consequence: missense variant.
Genome position (GRCh38, 1-based): chrX:13,758,337, A>G. VCF-style: chrX-13758337-A-G. GRCh37 (hg19) VCF-style: chrX-13776456-A-G.
Other names: c.1423A>G, p.Ile475Val (NM_001330209.2, NM_001440948.1); c.1123A>G, p.Ile375Val (NM_001330210.2); c.1543A>G, p.Ile515Val (NM_001440947.1); short protein forms I375V, I515V, I475V.
Identifiers: ClinVar variation 4790405 (VCV004790405.1).